The following is an entry in ClinVar:

ClinVar aggregate classification (germline): Uncertain significance (1 of 4 stars; one submission).

Allele frequency attached by ClinVar (database versions not stated): TOPMed 0.00006; ExAC 0.00008; gnomAD 0.00010; 1000 Genomes Project 0.00040; 1000 Genomes Project 30x 0.00047.

Submission:

Labcorp Genetics (formerly Invitae), Labcorp
Classification: Uncertain significance. Last evaluated: 2022-04-28. Review status: criteria provided, single submitter. Criteria: Invitae Variant Classification Sherloc (09022015). Collection method: clinical testing. Allele origin: germline.
Comment: This sequence change replaces arginine, which is basic and polar, with histidine, which is basic and polar, at codon 679 of the TMPRSS15 protein (p.Arg679His). This variant is present in population databases (rs550314806, gnomAD 0.06%). This variant has not been reported in the literature in individuals affected with TMPRSS15-related conditions. Algorithms developed to predict the effect of missense changes on protein structure and function are either unavailable or do not agree on the potential impact of this missense change (SIFT: "Not Available"; PolyPhen-2: "Benign"; Align-GVGD: "Not Available"). In summary, the available evidence is currently insufficient to determine the role of this variant in disease. Therefore, it has been classified as a Variant of Uncertain Significance.

NM_002772.3(TMPRSS15):c.2036G>A (p.Arg679His)

Gene: TMPRSS15 (transmembrane serine protease 15; minus strand). Cytogenetic location: 21q21.1.
Variant type: single nucleotide variant.
Coding change: c.2036G>A on transcript NM_002772.3 (MANE Select); coding-DNA position 2036, G replaced by A.
Protein change: p.Arg679His; replaces arginine 679 with histidine.
Molecular consequence: missense variant.
Genome position (GRCh38, 1-based): chr21:18,313,074, C>T on the plus strand (G>A on the coding strand, the complement: TMPRSS15 is on the minus strand). VCF-style: chr21-18313074-C-T. GRCh37 (hg19) VCF-style: chr21-19685391-C-T.
Other names: short protein forms R679H.
Identifiers: ClinVar variation 2062362 (VCV002062362.1), dbSNP rs550314806, ClinGen allele CA9984207.